The following is an entry in ClinVar:

ClinVar aggregate classification (germline): Uncertain significance. Review status: criteria provided, multiple submitters, no conflicts (2 of 4 stars). 2 submissions from 2 submitters: Uncertain significance (2). Last evaluated 2025-07-02.

Submissions (2):

Ambry Genetics
Classification: Uncertain significance. Last evaluated: 2025-07-02. Review status: criteria provided, single submitter. Criteria: Ambry Variant Classification Scheme 2023. Collection method: clinical testing. Allele origin: germline.

CeGaT Center for Human Genetics Tuebingen
Classification: Uncertain significance. Last evaluated: 2023-02-01. Review status: criteria provided, single submitter. Criteria: CeGaT Center For Human Genetics Tuebingen Variant Classification Criteria Version 2. Collection method: clinical testing. Allele origin: germline. Affected: yes. Observed: 1 variant allele.
Comment: GZMB: PM2

NM_004131.6(GZMB):c.539A>G (p.Tyr180Cys)

Gene: GZMB (granzyme B; minus strand). Cytogenetic location: 14q12.
Variant type: single nucleotide variant.
Coding change: c.539A>G on transcript NM_004131.6 (MANE Select); coding-DNA position 539, A replaced by G.
Protein change: p.Tyr180Cys; replaces tyrosine 180 with cysteine.
Molecular consequence: missense variant. On other transcripts: non-coding transcript variant (1).
Genome position (GRCh38, 1-based): chr14:24,631,919, T>C on the plus strand (A>G on the coding strand, the complement: GZMB is on the minus strand). VCF-style: chr14-24631919-T-C. GRCh37 (hg19) VCF-style: chr14-25101125-T-C.
Other names: c.503A>G, p.Tyr168Cys (NM_001346011.2); c.539A>G (NM_004131.4); short protein forms Y168C, Y180C.
Identifiers: ClinVar variation 2644144 (VCV002644144.25), dbSNP rs2501902032, ClinGen allele CA389324515.